The following is an entry in ClinVar:

ClinVar aggregate classification (germline): Likely pathogenic (1 of 4 stars; one submission).

Submission:

Labcorp Genetics (formerly Invitae), Labcorp
Classification: Likely pathogenic. Last evaluated: 2023-06-09. Review status: criteria provided, single submitter. Criteria: Invitae Variant Classification Sherloc (09022015). Collection method: clinical testing. Allele origin: unknown.
Comment: In summary, the currently available evidence indicates that the variant is pathogenic, but additional data are needed to prove that conclusively. Therefore, this variant has been classified as Likely Pathogenic. This variant has not been reported in the literature in individuals affected with CNGB1-related conditions. This variant results in a copy number gain of the genomic region encompassing exon(s) 27 of the CNGB1 gene. While the exact position of this variant cannot be determined from the data, sub-genic copy number gains are generally in tandem (PMID: 25640679). This variant is predicted to be out-of-frame, and may result in an absent or disrupted protein product. Loss-of-function variants in CNGB1 are known to be pathogenic (PMID: 15557452, 24043777).

Literature cited by the submitters: PubMed 25640679; PubMed 15557452; PubMed 24043777.

NC_000016.9:g.(?_57937706)_(57937905_?)dup

Gene: CNGB1 (cyclic nucleotide gated channel subunit beta 1; minus strand). Cytogenetic location: 16q21.
Variant type: Duplication.
Identifiers: ClinVar variation 3243625 (VCV003243625.1).